The following is an entry in ClinVar:

NM_152618.3(BBS12):c.1673del (p.Leu558fs)

Gene: BBS12 (Bardet-Biedl syndrome 12; plus strand). Cytogenetic location: 4q27.
Variant type: Deletion.
Coding change: c.1673del on transcript NM_152618.3 (MANE Select); coding-DNA position 1673, one base deleted (T; older notation c.1673delT).
Protein change: p.Leu558fs; shifts the reading frame from leucine 558.
Molecular consequence: frameshift variant.
Genome position (GRCh38, 1-based): chr4:122,743,565, T deleted. VCF-style (leftmost placement, unchanged base first): chr4-122743564-CT-C. GRCh37 (hg19) VCF-style: chr4-123664719-CT-C.
Other names: c.1673del, p.Leu558fs (NM_001178007.2); short protein forms L558fs.
Identifiers: ClinVar variation 2021677 (VCV002021677.5), dbSNP rs2485077709, ClinGen allele CA2580071481.
Genomic context (GRCh38, chr4:122,743,564, plus strand): 5'-GGAGGTGGTGCAGTTGAATTTTTGTGTCTTAGCTGTCTTCATATTCTTGCAGAGCAATCT[CT>C]GAAAAAAGAAAACCATGCCTGCTCAGGGTGGCTGCATAATACTTCCTCTTGGCTGGCTTC-3'

ClinVar aggregate classification (germline): Pathogenic/Likely pathogenic. Review status: criteria provided, multiple submitters, no conflicts (2 of 4 stars). 2 submissions from 2 submitters: Pathogenic (1); Likely pathogenic (1). Last evaluated 2024-01-15.

Conditions:
Bardet-Biedl syndrome 12 (BBS12). Identifiers: Orphanet 110, MedGen C1859570, MONDO:0014440, OMIM 615989.
Bardet-Biedl syndrome (BBS). Identifiers: Orphanet 110, MedGen C0752166, MONDO:0015229.

Submissions (2):

Fulgent Genetics
Classification: Likely pathogenic for Bardet-Biedl syndrome 12. Last evaluated: 2024-01-15. Review status: criteria provided, single submitter. Criteria: ACMG Guidelines, 2015. Collection method: clinical testing. Allele origin: germline.

Labcorp Genetics (formerly Invitae), Labcorp
Classification: Pathogenic for Bardet-Biedl syndrome. Last evaluated: 2022-08-05. Review status: criteria provided, single submitter. Criteria: Invitae Variant Classification Sherloc (09022015). Collection method: clinical testing. Allele origin: germline.
Comment: For these reasons, this variant has been classified as Pathogenic. This variant disrupts a region of the BBS12 protein in which other variant(s) (p.Ser701*) have been determined to be pathogenic (PMID: 20648243). This suggests that this is a clinically significant region of the protein, and that variants that disrupt it are likely to be disease-causing. This variant has not been reported in the literature in individuals affected with BBS12-related conditions. This variant is not present in population databases (gnomAD no frequency). This sequence change creates a premature translational stop signal (p.Leu558Argfs*80) in the BBS12 gene. While this is not anticipated to result in nonsense mediated decay, it is expected to disrupt the last 153 amino acid(s) of the BBS12 protein.

Literature cited by the submitters: PubMed 20648243 (cited by Labcorp Genetics (formerly Invitae), Labcorp).